The following is an entry in ClinVar:

NM_032043.3(BRIP1):c.1479T>A (p.His493Gln)

Gene: BRIP1 (BRCA1 interacting DNA helicase 1; minus strand). Cytogenetic location: 17q23.2.
Variant type: single nucleotide variant.
Coding change: c.1479T>A on transcript NM_032043.3 (MANE Select); coding-DNA position 1479, T replaced by A.
Protein change: p.His493Gln; replaces histidine 493 with glutamine.
Molecular consequence: missense variant.
Genome position (GRCh38, 1-based): chr17:61,784,419, A>T on the plus strand (T>A on the coding strand, the complement: BRIP1 is on the minus strand). VCF-style: chr17-61784419-A-T. GRCh37 (hg19) VCF-style: chr17-59861780-A-T.
Other names: short protein forms H493Q.
Identifiers: ClinVar variation 1773514 (VCV001773514.2), dbSNP rs2077672800, ClinGen allele CA400481763.

ClinVar aggregate classification (germline): Uncertain significance (1 of 4 stars; one submission).

Conditions:
Hereditary cancer-predisposing syndrome. Also called: Hereditary Cancer Syndrome; Hereditary neoplastic syndrome; Neoplastic Syndromes, Hereditary; Tumor predisposition. Identifiers: Orphanet 140162, MedGen C0027672, MeSH D009386, MONDO:0015356.

Submission:

Ambry Genetics
Classification: Uncertain significance for Hereditary cancer-predisposing syndrome. Last evaluated: 2021-12-11. Review status: criteria provided, single submitter. Criteria: Ambry Variant Classification Scheme 2023. Collection method: clinical testing. Allele origin: germline.
Comment: The p.H493Q variant (also known as c.1479T>A), located in coding exon 10 of the BRIP1 gene, results from a T to A substitution at nucleotide position 1479. The histidine at codon 493 is replaced by glutamine, an amino acid with highly similar properties. This amino acid position is conserved. In addition, the in silico prediction for this alteration is inconclusive. Since supporting evidence is limited at this time, the clinical significance of this alteration remains unclear.